The following is an entry in ClinVar:

ClinVar aggregate classification (germline): Pathogenic (1 of 4 stars; one submission).

Conditions:
T-B+ severe combined immunodeficiency due to JAK3 deficiency. Also called: SCID, T CELL-NEGATIVE, B CELL-POSITIVE, NK CELL-NEGATIVE; SCID, autosomal recessive, T-negative/B-positive type. Identifiers: Orphanet 35078, MedGen C1833275, MONDO:0010938, OMIM 600802.

Submission:

Labcorp Genetics (formerly Invitae), Labcorp
Classification: Pathogenic for T-B+ severe combined immunodeficiency due to JAK3 deficiency. Last evaluated: 2023-06-09. Review status: criteria provided, single submitter. Criteria: Invitae Variant Classification Sherloc (09022015). Collection method: clinical testing. Allele origin: germline.
Comment: This variant, c.3011_3013del, results in the deletion of 1 amino acid(s) of the JAK3 protein (p.Phe1004del), but otherwise preserves the integrity of the reading frame. This variant is not present in population databases (gnomAD no frequency). This variant has been observed in individual(s) with severe combined immunodeficiency (PMID: 18845095, 33040328). For these reasons, this variant has been classified as Pathogenic.

Literature cited by the submitters: PubMed 18845095; PubMed 33040328.

NM_000215.4(JAK3):c.3008TCT[1] (p.Phe1004del)

Gene: JAK3 (Janus kinase 3; minus strand). Cytogenetic location: 19p13.11.
Variant type: Microsatellite.
Coding change: c.3008TCT[1] on transcript NM_000215.4 (MANE Select); one copy of the 3-base unit TCT starting at c.3008; the reference has two copies in a row; one copy, 3 bases deleted.
Protein change: p.Phe1004del; deletes phenylalanine 1004.
Molecular consequence: inframe deletion.
Genome position (GRCh38, 1-based): chr19:17,830,586-17,830,588, AGA deleted on the plus strand (TCT on the coding strand, the reverse complement: JAK3 is on the minus strand); deleting any 3 consecutive bases within chr19:17,830,586-17,830,591 gives the same sequence; the position shown is the placement nearest the transcript's 3' end. VCF-style (leftmost placement, unchanged base first): chr19-17830585-GAGA-G. GRCh37 (hg19) VCF-style: chr19-17941394-GAGA-G.
Other names: short protein forms F1004del.
Identifiers: ClinVar variation 2736842 (VCV002736842.3), dbSNP rs2514544388, ClinGen allele CA2583422331.